The following is an entry in ClinVar:

ClinVar aggregate classification (germline): Uncertain significance (1 of 4 stars; one submission).

Submission:

GeneDx
Classification: Uncertain significance. Last evaluated: 2022-10-23. Review status: criteria provided, single submitter. Criteria: GeneDx Variant Classification Process June 2021. Collection method: clinical testing. Allele origin: germline. Affected: yes.
Comment: Not observed at significant frequency in large population cohorts (gnomAD); In silico analysis supports that this missense variant has a deleterious effect on protein structure/function; Has not been previously published as pathogenic or benign to our knowledge

NM_001256627.2(BRSK2):c.527G>A (p.Cys176Tyr)

Gene: BRSK2 (BR serine/threonine kinase 2; plus strand). Cytogenetic location: 11p15.5.
Variant type: single nucleotide variant.
Coding change: c.527G>A on transcript NM_001256627.2 (MANE Select); coding-DNA position 527, G replaced by A.
Protein change: p.Cys176Tyr; replaces cysteine 176 with tyrosine.
Molecular consequence: missense variant. On other transcripts: non-coding transcript variant (1).
Genome position (GRCh38, 1-based): chr11:1,442,603, G>A. VCF-style: chr11-1442603-G-A. GRCh37 (hg19) VCF-style: chr11-1463833-G-A.
Other names: c.527G>A, p.Cys176Tyr (NM_001256629.2, NM_003957.4); c.665G>A, p.Cys222Tyr (NM_001256630.1); c.347G>A, p.Cys116Tyr (NM_001282218.2); short protein forms C116Y, C176Y, C222Y.
Identifiers: ClinVar variation 2499850 (VCV002499850.1), dbSNP rs2539470978, ClinGen allele CA379058642.
Genomic context (GRCh38, chr11:1,442,603, plus strand): 5'-GCATCGCAGACTTTGGCATGGCGTCCCTGCAGGTTGGCGACAGCCTGTTGGAGACCAGCT[G>A]TGGGTACGTGGCCCTCTGCCCTGGAGAGAGGCTGGGGGACAGGCTGGGCTGGGGGAAGAG-3'
Protein context (NP_001243556.1, residues 166-186): QVGDSLLETS[Cys176Tyr]GSPHYACPEV